The following is an entry in ClinVar:

NM_024422.6(DSC2):c.584_595delinsCA (p.Leu195fs)

Gene: DSC2 (desmocollin 2; minus strand). Cytogenetic location: 18q12.1.
Variant type: Indel.
Coding change: c.584_595delinsCA on transcript NM_024422.6 (MANE Select); coding-DNA positions 584 to 595, TGTATTGTACTC replaced by CA.
Protein change: p.Leu195fs; shifts the reading frame from leucine 195.
Molecular consequence: frameshift variant.
Genome position (GRCh38, 1-based): chr18:31,089,474-31,089,485, GAGTACAATACA replaced by TG on the plus strand (TGTATTGTACTC replaced by CA on the coding strand, the reverse complement: DSC2 is on the minus strand). VCF-style: chr18-31089474-GAGTACAATACA-TG. GRCh37 (hg19) VCF-style: chr18-28669437-GAGTACAATACA-TG.
Other names: c.155_166delinsCA, p.Leu52fs (NM_001406506.1, NM_001406507.1); c.584_595delinsCA, p.Leu195fs (NM_004949.5); short protein forms L195fs, L52fs.
Identifiers: ClinVar variation 3067807 (VCV003067807.21), dbSNP rs2510953759, ClinGen allele CA2825002674.

ClinVar aggregate classification (germline): Pathogenic (1 of 4 stars; one submission).

Submission:

CeGaT Center for Human Genetics Tuebingen
Classification: Pathogenic. Last evaluated: 2024-03-01. Review status: criteria provided, single submitter. Criteria: CeGaT Center For Human Genetics Tuebingen Variant Classification Criteria Version 2. Collection method: clinical testing. Allele origin: germline. Affected: yes. Observed: 1 variant allele.
Comment: DSC2: PVS1, PM2